The following is an entry in ClinVar:

ClinVar aggregate classification (germline): Uncertain significance (1 of 4 stars; one submission).

Submission:

GeneDx
Classification: Uncertain significance. Last evaluated: 2026-02-05. Review status: criteria provided, single submitter. Criteria: GeneDx Variant Classification Process June 2021. Collection method: clinical testing. Allele origin: germline.
Comment: Not observed at significant frequency in large population cohorts (gnomAD); In silico analysis supports that this missense variant has a deleterious effect on protein structure/function; Has not been previously published as pathogenic or benign to our knowledge

NM_004646.4(NPHS1):c.482T>C (p.Val161Ala)

Gene: NPHS1 (NPHS1 adhesion molecule, nephrin; minus strand). Cytogenetic location: 19q13.12.
Variant type: single nucleotide variant.
Coding change: c.482T>C on transcript NM_004646.4 (MANE Select); coding-DNA position 482, T replaced by C.
Protein change: p.Val161Ala; replaces valine 161 with alanine.
Molecular consequence: missense variant.
Genome position (GRCh38, 1-based): chr19:35,851,005, A>G on the plus strand (T>C on the coding strand, the complement: NPHS1 is on the minus strand). VCF-style: chr19-35851005-A-G. GRCh37 (hg19) VCF-style: chr19-36341907-A-G.
Other names: short protein forms V161A.
Identifiers: ClinVar variation 4976043 (VCV004976043.1).